The following is an entry in ClinVar:

NM_022773.4(LMF1):c.1055G>A (p.Gly352Glu)

Gene: LMF1 (lipase maturation factor 1; minus strand). Cytogenetic location: 16p13.3.
Variant type: single nucleotide variant.
Coding change: c.1055G>A on transcript NM_022773.4 (MANE Select); coding-DNA position 1055, G replaced by A.
Protein change: p.Gly352Glu; replaces glycine 352 with glutamic acid.
Molecular consequence: missense variant. On other transcripts: non-coding transcript variant (1).
Genome position (GRCh38, 1-based): chr16:871,184, C>T on the plus strand (G>A on the coding strand, the complement: LMF1 is on the minus strand). VCF-style: chr16-871184-C-T. GRCh37 (hg19) VCF-style: chr16-921184-C-T.
Other names: c.404G>A, p.Gly135Glu (NM_001352017.2, NM_001352021.2); c.656G>A, p.Gly219Glu (NM_001352018.2); c.728G>A, p.Gly243Glu (NM_001352019.2); c.1055G>A, p.Gly352Glu (NM_001352020.1); short protein forms G135E, G219E, G243E, G352E.
Identifiers: ClinVar variation 3538669 (VCV003538669.1).

ClinVar aggregate classification (germline): Uncertain significance (1 of 4 stars; one submission).

Conditions:
Cardiovascular phenotype. Identifiers: MedGen CN230736.

Submission:

Ambry Genetics
Classification: Uncertain significance for Cardiovascular phenotype. Last evaluated: 2024-10-08. Review status: criteria provided, single submitter. Criteria: Ambry Variant Classification Scheme 2023. Collection method: clinical testing. Allele origin: germline.
Comment: The p.G352E variant (also known as c.1055G>A), located in coding exon 7 of the LMF1 gene, results from a G to A substitution at nucleotide position 1055. The glycine at codon 352 is replaced by glutamic acid, an amino acid with similar properties. This amino acid position is conserved. In addition, this alteration is predicted to be tolerated by in silico analysis. Based on the available evidence, the clinical significance of this variant remains unclear.